The following is an entry in ClinVar:

NM_006231.4(POLE):c.5003G>T (p.Gly1668Val)

Gene: POLE (DNA polymerase epsilon, catalytic subunit; minus strand). Cytogenetic location: 12q24.33.
Variant type: single nucleotide variant.
Coding change: c.5003G>T on transcript NM_006231.4 (MANE Select); coding-DNA position 5003, G replaced by T.
Protein change: p.Gly1668Val; replaces glycine 1668 with valine.
Molecular consequence: missense variant.
Genome position (GRCh38, 1-based): chr12:132,642,347, C>A on the plus strand (G>T on the coding strand, the complement: POLE is on the minus strand). VCF-style: chr12-132642347-C-A. GRCh37 (hg19) VCF-style: chr12-133218933-C-A.
Other names: c.5003G>T (NM_006231.2); short protein forms G1668V.
Identifiers: ClinVar variation 473703 (VCV000473703.9), dbSNP rs368735471, ClinGen allele CA387377428.
Genomic context (GRCh38, chr12:132,642,347, plus strand): 5'-GGGGACAGCCAGAGCAGGTGGTTGTGGCGCTGGAGGTGGCGGGCAAAGAAGAGGTCGGAG[C>A]CGAATGTGGAGATGTCCTCTGGTAGGTTCCCAATGGGAATGTGAAAGTACCTGCACCAGG-3'
Protein context (NP_006222.2, residues 1658-1678): GNLPEDISTF[Gly1668Val]SDLFFARHLQ

ClinVar aggregate classification (germline): Uncertain significance. Review status: criteria provided, multiple submitters, no conflicts (2 of 4 stars). 2 submissions from 2 submitters: Uncertain significance (2). Last evaluated 2025-03-20.

Conditions:
Hereditary cancer-predisposing syndrome. Also called: Neoplastic Syndromes, Hereditary; Tumor predisposition; Hereditary Cancer Syndrome; Hereditary neoplastic syndrome. Identifiers: Orphanet 140162, MedGen C0027672, MeSH D009386, MONDO:0015356.

Submissions (2):

Ambry Genetics
Classification: Uncertain significance for Hereditary cancer-predisposing syndrome. Last evaluated: 2025-03-20. Review status: criteria provided, single submitter. Criteria: Ambry Variant Classification Scheme 2023. Collection method: clinical testing. Allele origin: germline.
Comment: The p.G1668V variant (also known as c.5003G>T), located in coding exon 38 of the POLE gene, results from a G to T substitution at nucleotide position 5003. The glycine at codon 1668 is replaced by valine, an amino acid with dissimilar properties. This amino acid position is conserved. In addition, the in silico prediction for this alteration is inconclusive. Based on the available evidence, the clinical significance of this variant remains unclear.

Labcorp Genetics (formerly Invitae), Labcorp
Classification: Uncertain significance. Last evaluated: 2022-02-18. Review status: criteria provided, single submitter. Criteria: Invitae Variant Classification Sherloc (09022015). Collection method: clinical testing. Allele origin: germline.
Comment: This sequence change replaces glycine, which is neutral and non-polar, with valine, which is neutral and non-polar, at codon 1668 of the POLE protein (p.Gly1668Val). This variant is not present in population databases (gnomAD no frequency). This variant has not been reported in the literature in individuals affected with POLE-related conditions. ClinVar contains an entry for this variant (Variation ID: 473703). Algorithms developed to predict the effect of missense changes on protein structure and function are either unavailable or do not agree on the potential impact of this missense change (SIFT: "Tolerated"; PolyPhen-2: "Possibly Damaging"; Align-GVGD: "Class C0"). In summary, the available evidence is currently insufficient to determine the role of this variant in disease. Therefore, it has been classified as a Variant of Uncertain Significance.